The following is an entry in ClinVar:

ClinVar aggregate classification (germline): Conflicting classifications of pathogenicity. Review status: criteria provided, conflicting classifications (1 of 4 stars). 2 submissions from 2 submitters: Uncertain significance (1); Likely benign (1). Last evaluated 2026-10-08.

Conditions:
Cardiovascular phenotype. Identifiers: MedGen CN230736.

Allele frequency attached by ClinVar (database versions not stated): gnomAD 0.00004 and 0.00005; gnomAD exomes 0.00007; ExAC 0.00021; 1000 Genomes Project 30x 0.00016; 1000 Genomes Project 0.00020.
gnomAD v4.1: 127 of 1,591,702 alleles (0.008%); highest among the groups gnomAD compares: Middle Eastern, 0.017%; no homozygotes.

Submissions (2):

GeneDx
Classification: Uncertain significance. Last evaluated: 2026-10-08. Review status: criteria provided, single submitter. Criteria: GeneDx Variant Classification Process June 2021. Collection method: clinical testing. Allele origin: germline.
Comment: Has not been previously published as pathogenic or benign to our knowledge; In silico analysis supports that this missense variant has a deleterious effect on protein structure/function

Ambry Genetics
Classification: Likely benign for Cardiovascular phenotype. Last evaluated: 2025-10-10. Review status: criteria provided, single submitter. Criteria: Ambry Variant Classification Scheme 2023. Collection method: clinical testing. Allele origin: germline.

NM_001365276.2(TNXB):c.3952G>A (p.Gly1318Ser)

Gene: TNXB (tenascin XB; minus strand). Cytogenetic location: 6p21.33.
Variant type: single nucleotide variant.
Coding change: c.3952G>A on transcript NM_001365276.2 (MANE Select); coding-DNA position 3952, G replaced by A.
Protein change: p.Gly1318Ser; replaces glycine 1318 with serine.
Molecular consequence: missense variant.
Genome position (GRCh38, 1-based): chr6:32,081,458, C>T on the plus strand (G>A on the coding strand, the complement: TNXB is on the minus strand). VCF-style: chr6-32081458-C-T. GRCh37 (hg19) VCF-style: chr6-32049235-C-T.
Other names: c.3952G>A, p.Gly1318Ser (NM_019105.8); short protein forms G1318S.
Identifiers: ClinVar variation 1321732 (VCV001321732.6), dbSNP rs536142838, ClinGen allele CA3735073.
Genomic context (GRCh38, chr6:32,081,458, plus strand): 5'-CACGCTGCCTGCCACGAAGCCCGTAGAGGTTCATCTTATACTTCCGGTCGGGATCCAGGC[C>T]GGGGACAGTAACCTCATTCTCATCCCCCGCAACAGGCACTGCCTGGGGCTGCCCCTGTGC-3'
Protein context (NP_001352205.1, residues 1308-1328): AGDENEVTVP[Gly1318Ser]LDPDRKYKMN